The following is an entry in ClinVar:

ClinVar aggregate classification (germline): Pathogenic (1 of 4 stars; one submission).

Conditions:
BAP1-related tumor predisposition syndrome (TPDS1). Also called: TUMOR PREDISPOSITION SYNDROME 1; COMMON Syndrome; Tumor susceptibility linked to germline BAP1 mutations; BAP1 tumor predisposition syndrome. Identifiers: Orphanet 289539, MedGen C3280492, MONDO:0013692, OMIM 614327.

Submission:

Myriad Genetics, Inc.
Classification: Pathogenic for BAP1-related tumor predisposition syndrome. Last evaluated: 2023-09-21. Review status: criteria provided, single submitter. Criteria: Myriad Autosomal Dominant, Autosomal Recessive and X-Linked Classification Criteria (2023). Collection method: clinical testing. Allele origin: unknown.
Comment: This variant is considered pathogenic. This variant creates a frameshift predicted to result in premature protein truncation.

NM_004656.4(BAP1):c.550del (p.Asp184fs)

Gene: BAP1 (BRCA1 associated deubiquitinase 1; minus strand). Cytogenetic location: 3p21.1.
Variant type: Deletion.
Coding change: c.550del on transcript NM_004656.4 (MANE Select); coding-DNA position 550, one base deleted (G; older notation c.550delG).
Protein change: p.Asp184fs; shifts the reading frame from aspartic acid 184.
Molecular consequence: frameshift variant.
Genome position (GRCh38, 1-based): chr3:52,407,204, C deleted on the plus strand (G on the coding strand, the reverse complement: BAP1 is on the minus strand); the first of 2 consecutive C bases (chr3:52,407,204-52,407,205); deleting either gives the same sequence. VCF-style (leftmost placement, unchanged base first): chr3-52407203-TC-T. GRCh37 (hg19) VCF-style: chr3-52441219-TC-T.
Other names: c.550del, p.Asp184fs (NM_001410772.1); short protein forms D184fs.
Identifiers: ClinVar variation 2673793 (VCV002673793.1), dbSNP rs2471349752, ClinGen allele CA2695197911.